The following is an entry in ClinVar:

ClinVar aggregate classification (germline): Uncertain significance. Review status: criteria provided, multiple submitters, no conflicts (2 of 4 stars). 3 submissions from 3 submitters: Uncertain significance (3). Last evaluated 2024-04-01.

Conditions:
Inborn genetic diseases. Identifiers: MedGen C0950123, MeSH D030342.
Kleefstra syndrome 2 (KLEFS2). Identifiers: MedGen C4540395, MONDO:0054701, OMIM 617768.

Submissions (3):

Daryl Scott Lab, Baylor College of Medicine
Classification: Uncertain significance for Kleefstra syndrome 2. Last evaluated: 2024-04-01. Review status: criteria provided, single submitter. Criteria: ACMG Guidelines, 2015. Collection method: clinical testing. Allele origin: unknown. Observed: 1 heterozygote.
Comment: PM2, PP3

Ambry Genetics
Classification: Uncertain significance for Inborn genetic diseases. Last evaluated: 2022-05-10. Review status: criteria provided, single submitter. Criteria: Ambry Variant Classification Scheme 2023. Collection method: clinical testing. Allele origin: germline.
Comment: Based on insufficient or conflicting evidence, the clinical significance of this alteration remains unclear.

Labcorp Genetics (formerly Invitae), Labcorp
Classification: Uncertain significance. Last evaluated: 2022-01-13. Review status: criteria provided, single submitter. Criteria: Invitae Variant Classification Sherloc (09022015). Collection method: clinical testing. Allele origin: germline.
Comment: This variant has not been reported in the literature in individuals affected with KMT2C-related conditions. Information on the frequency of this variant in the gnomAD database is not available, as this variant may be reported differently in the database. This sequence change replaces serine, which is neutral and polar, with glutamic acid, which is acidic and polar, at codon 3 of the KMT2C protein (p.Ser3Glu). Algorithms developed to predict the effect of missense changes on protein structure and function are either unavailable or do not agree on the potential impact of this missense change (SIFT: "Not Available"; PolyPhen-2: "Possibly Damaging"; Align-GVGD: "Not Available"). In summary, the available evidence is currently insufficient to determine the role of this variant in disease. Therefore, it has been classified as a Variant of Uncertain Significance.

NM_170606.3(KMT2C):c.7_8inv (p.Ser3Glu)

Genes: KMT2C (lysine methyltransferase 2C; minus strand), LOC129999681 (ATAC-STARR-seq lymphoblastoid silent region 18830; plus strand). Cytogenetic location: 7q36.1.
Variant type: Inversion.
Coding change: c.7_8inv on transcript NM_170606.3 (MANE Select).
Protein change: p.Ser3Glu; replaces serine 3 with glutamic acid.
Molecular consequence: missense variant.
Genome position: GRCh38 VCF-style: chr7-152435779-GA-TC. GRCh37 (hg19) VCF-style: chr7-152132864-GA-TC.
Other names: c.7_8delinsGA (NM_170606.3); short protein forms S3E.
Identifiers: ClinVar variation 1960076 (VCV001960076.7), ClinGen allele CA2580077732.